The following is an entry in ClinVar:

ClinVar aggregate classification (germline): Uncertain significance (1 of 4 stars; one submission).

Submission:

Labcorp Genetics (formerly Invitae), Labcorp
Classification: Uncertain significance. Last evaluated: 2023-10-29. Review status: criteria provided, single submitter. Criteria: Invitae Variant Classification Sherloc (09022015). Collection method: clinical testing. Allele origin: germline.
Comment: This sequence change replaces aspartic acid, which is acidic and polar, with glutamic acid, which is acidic and polar, at codon 1686 of the MTOR protein (p.Asp1686Glu). This variant is not present in population databases (gnomAD no frequency). This variant has not been reported in the literature in individuals affected with MTOR-related conditions. ClinVar contains an entry for this variant (Variation ID: 955903). Advanced modeling of protein sequence and biophysical properties (such as structural, functional, and spatial information, amino acid conservation, physicochemical variation, residue mobility, and thermodynamic stability) performed at Invitae indicates that this missense variant is not expected to disrupt MTOR protein function with a negative predictive value of 95%. In summary, the available evidence is currently insufficient to determine the role of this variant in disease. Therefore, it has been classified as a Variant of Uncertain Significance.

NM_004958.4(MTOR):c.5058C>G (p.Asp1686Glu)

Gene: MTOR (mechanistic target of rapamycin kinase; minus strand). Cytogenetic location: 1p36.22.
Variant type: single nucleotide variant.
Coding change: c.5058C>G on transcript NM_004958.4 (MANE Select); coding-DNA position 5058, C replaced by G.
Protein change: p.Asp1686Glu; replaces aspartic acid 1686 with glutamic acid.
Molecular consequence: missense variant.
Genome position (GRCh38, 1-based): chr1:11,139,376, G>C on the plus strand (C>G on the coding strand, the complement: MTOR is on the minus strand). VCF-style: chr1-11139376-G-C. GRCh37 (hg19) VCF-style: chr1-11199433-G-C.
Other names: short protein forms D1686E.
Identifiers: ClinVar variation 955903 (VCV000955903.9), dbSNP rs1643580454, ClinGen allele CA338401899.